The following is an entry in ClinVar:

NM_000238.4(KCNH2):c.1684C>T (p.His562Tyr)

Gene: KCNH2 (potassium voltage-gated channel subfamily H member 2; minus strand). Cytogenetic location: 7q36.1.
Variant type: single nucleotide variant.
Coding change: c.1684C>T on transcript NM_000238.4 (MANE Select); coding-DNA position 1684, C replaced by T.
Protein change: p.His562Tyr; replaces histidine 562 with tyrosine.
Molecular consequence: missense variant.
Genome position (GRCh38, 1-based): chr7:150,951,709, G>A on the plus strand (C>T on the coding strand, the complement: KCNH2 is on the minus strand). VCF-style: chr7-150951709-G-A. GRCh37 (hg19) VCF-style: chr7-150648797-G-A.
Other names: p.H562Y:CAC>TAC; c.664C>T, p.His222Tyr (NM_001204798.2, NM_172057.3); c.1396C>T, p.His466Tyr (NM_001406753.1, NM_001406756.1); c.1507C>T, p.His503Tyr (NM_001406755.1); c.1384C>T, p.His462Tyr (NM_001406757.1); c.1684C>T, p.His562Tyr (NM_172056.3); short protein forms H222Y, H562Y, H462Y, H466Y, H503Y.
Identifiers: ClinVar variation 200733 (VCV000200733.14), dbSNP rs794728481, ClinGen allele CA005051.
Genomic context (GRCh38, chr7:150,951,709, plus strand): 5'-GTGAGTCCATGTGTGGCTGCTCCATGTTGCCGATGGCGTACCAGATGCAGGCTAGCCAGT[G>A]CGCGATGAGCGCAAAGGTGCACATGAGCAAGAACAGCACGGCCGCGCCGTACTCTGAGTA-3'
Protein context (NP_000229.1, residues 552-572): LLMCTFALIA[His562Tyr]WLACIWYAIG

ClinVar aggregate classification (germline): Pathogenic/Likely pathogenic. Review status: criteria provided, multiple submitters, no conflicts (2 of 4 stars). 3 submissions from 3 submitters: Pathogenic (1); Likely pathogenic (2). Last evaluated 2022-07-06.

Conditions:
Cardiovascular phenotype. Identifiers: MedGen CN230736.
Long QT syndrome (LQTS). Identifiers: MedGen C0023976, MeSH D008133, MONDO:0002442. Disease mechanism: loss of function. Inheritance: Various modes of inheritance.

Submissions (3):

Labcorp Genetics (formerly Invitae), Labcorp
Classification: Likely pathogenic for Long QT syndrome. Last evaluated: 2022-07-06. Review status: criteria provided, single submitter. Criteria: Invitae Variant Classification Sherloc (09022015). Collection method: clinical testing. Allele origin: germline.
Comment: This variant disrupts the p.His562 amino acid residue in KCNH2. Other variant(s) that disrupt this residue have been determined to be pathogenic (PMID: 15242738, 16432067, 22949429, 25417810, 25819988). This suggests that this residue is clinically significant, and that variants that disrupt this residue are likely to be disease-causing. Algorithms developed to predict the effect of missense changes on protein structure and function are either unavailable or do not agree on the potential impact of this missense change (SIFT: "Deleterious"; PolyPhen-2: "Probably Damaging"; Align-GVGD: "Class C15"). ClinVar contains an entry for this variant (Variation ID: 200733). This missense change has been observed in individuals with long QT syndrome (Invitae). It has also been observed to segregate with disease in related individuals. This variant is not present in population databases (gnomAD no frequency). In summary, the currently available evidence indicates that the variant is pathogenic, but additional data are needed to prove that conclusively. Therefore, this variant has been classified as Likely Pathogenic. This sequence change replaces histidine, which is basic and polar, with tyrosine, which is neutral and polar, at codon 562 of the KCNH2 protein (p.His562Tyr).

Ambry Genetics
Classification: Likely pathogenic for Cardiovascular phenotype. Last evaluated: 2017-01-26. Review status: criteria provided, single submitter. Criteria: Ambry Variant Classification Scheme 2023. Collection method: clinical testing. Allele origin: germline.
Comment: The p.H562Y variant (also known as c.1684C>T), located in coding exon 7 of the KCNH2 gene, results from a C to T substitution at nucleotide position 1684. The histidine at codon 562 is replaced by tyrosine, an amino acid with similar properties. Based on internal structural analysis, this variant, which is located within the S5 transmembrane segment of the KCNH2 protein, interacts with an adjacent monomer and is comparably stabilizing relative to a known pathogenic alteration at the same position, suggesting an impact on the membrane interface (Long SB et al. Nature. 2007;450:376-82; Liu J et al. J Gen Physiol. 2002;120:723-37). This variant has not been described in the literature to date; however, other alterations involving the same amino acid, p.H562R (c.1685A>G) and p.H562P (c.1685A>C), have been reported in families with long QT syndrome (LQTS) and have demonstrated deficient protein trafficking or reduced current by functional in vitro analyses of the potassium channel (Sharma D et al. J Mol Cell Cardiol. 2004;37:79-89; Anderson CL et al. Circulation. 2006;113:365-73; Anderson CL et al. Nat Commun. 2014;5:5535; Mu&ntilde;oz-Esparza C et al. Rev Esp Cardiol (Engl Ed). 2015;68:861-8). This amino acid position is highly conserved in available vertebrate species. In addition, p.H562Y is predicted to be probably damaging and deleterious by PolyPhen and SIFT in silico analyses, respectively. Based on the majority of available evidence to date, this variant is likely to be pathogenic.

GeneDx
Classification: Pathogenic. Last evaluated: 2012-02-24. Review status: criteria provided, single submitter. Criteria: GeneDx Variant Classification (06012015). Collection method: clinical testing. Allele origin: germline. Affected: yes.
Comment: The His562Tyr mutation in the KCNH2 gene has not been reported previously as a disease-causing mutation nor as a benign polymorphism, to our knowledge. His562Tyr results in a non-conservative amino acid substitution of a positively charged Histidine with a neutral, polar Tyrosine. Located in the S5 segment of the KCNH2 gene, different mutations at the same codon (His562Arg, His562Pro) as well as mutations in nearby codons (Ala561Pro, Ala561Thr, Ala561Val, Trp563Cys, Trp563Gly) have been reported in association with LQTS, supporting the functional importance of this region of the protein. The NHLBI ESP Exome Variant Server reports His562Tyr was not observed in approximately 5,000 samples from individuals of European and African American backgrounds, indicating it is not a common benign variant in these populations. In summary, the presence of His562Tyr in the KCNH2 gene is consistent with an autosomal dominant form of LQTS. The variant is found in LQT panel(s).

Literature cited by the submitters: PubMed 15242738 (cited by Labcorp Genetics (formerly Invitae), Labcorp and Ambry Genetics); PubMed 16432067 (cited by Labcorp Genetics (formerly Invitae), Labcorp and Ambry Genetics); PubMed 22949429 (cited by Labcorp Genetics (formerly Invitae), Labcorp); PubMed 25417810 (cited by Labcorp Genetics (formerly Invitae), Labcorp and Ambry Genetics); PubMed 25819988 (cited by Labcorp Genetics (formerly Invitae), Labcorp and Ambry Genetics); PubMed 12407082 (cited by Ambry Genetics); PubMed 18004376 (cited by Ambry Genetics).